The following is an entry in ClinVar:

ClinVar aggregate classification (germline): Pathogenic/Likely pathogenic. Review status: criteria provided, multiple submitters, no conflicts (2 of 4 stars). 6 submissions from 6 submitters: Pathogenic (3); Likely pathogenic (3). Last evaluated 2025-04-07.

Conditions:
Gaucher disease. Also called: Acute cerebral Gaucher disease; Cerebroside lipidosis syndrome; Gaucher splenomegaly; Sphingolipidosis 1; Glucocerebrosidosis; Glucosylceramidase deficiency. Identifiers: Orphanet 355, MedGen C0017205, MONDO:0018150.
Gaucher disease type I (GD1). Also called: Type 1 Gaucher Disease; GD 1; GLUCOCEREBROSIDASE DEFICIENCY; ACID BETA-GLUCOSIDASE DEFICIENCY; GAUCHER DISEASE, NONCEREBRAL JUVENILE; GBA DEFICIENCY. Identifiers: Orphanet 355, Orphanet 77259, MedGen C1961835, MONDO:0009265, OMIM 230800.

Allele frequency attached by ClinVar (database versions not stated): gnomAD exomes below 0.00001; ExAC 0.00001.
gnomAD v4.1: 2 of 1,614,238 alleles (0.00012%); highest among the groups gnomAD compares: Non-Finnish European, 0.00017%; no homozygotes.

Submissions (6):

Natera, Inc.
Classification: Pathogenic for Gaucher disease. Last evaluated: 2025-04-07. Review status: criteria provided, single submitter. Criteria: Natera Variant Classification Schema (03/2026). Collection method: clinical testing. Allele origin: germline.
Comment: The c.1240G>T variant in GBA1 is a missense variant predicted to cause substitution of valine to leucine at amino acid 414. This variant is rare in the general population with a frequency below the threshold expected for the associated phenotype(s). This variant has been observed in one or more individuals affected with the associated recessive disease, as either homozygous or compound heterozygous with a second variant (PMID: 9182788, 35412052). Additionally, this variant has been observed to segregate in affected family members (PMID: 15943874). Another variant at this same site results in an alteration predicted to cause a similar molecular effect has been observed in individual(s) with the associated phenotype. Computational prediction algorithms indicate this variant is likely to affect gene or protein function. Given the available evidence, this variant is classified as Pathogenic.

Revvity Omics, Revvity
Classification: Likely pathogenic. Last evaluated: 2024-04-02. Review status: criteria provided, single submitter. Criteria: ACMG Guidelines, 2015. Collection method: clinical testing. Allele origin: germline.

CeGaT Center for Human Genetics Tuebingen
Classification: Pathogenic. Last evaluated: 2024-01-01. Review status: criteria provided, single submitter. Criteria: CeGaT Center For Human Genetics Tuebingen Variant Classification Criteria Version 2. Collection method: clinical testing. Allele origin: germline. Affected: yes. Observed: 1 variant allele.
Comment: GBA1: PM3:Strong, PS1, PM2, PS3:Supporting

Women's Health and Genetics/Laboratory Corporation of America, LabCorp
Classification: Pathogenic for Gaucher disease. Last evaluated: 2020-01-30. Review status: criteria provided, single submitter. Criteria: LabCorp Variant Classification Summary - May 2015. Collection method: clinical testing. Allele origin: germline.
Comment: Variant summary: GBA c.1240G>T (p.Val414Leu, legacy name V375L) results in a conservative amino acid change located in the Glycosyl hydrolase family 30, TIM-barrel domain (IPR033453) of the encoded protein sequence. Another variant, c.1240G>C (p.Val414Leu) has also been ascertained in the context of this evaluation. Four of five in-silico tools predict a damaging effect of the variant on protein function. The variant allele was found at a frequency of 4e-06 in 251476 control chromosomes. c.1240G>T and c.1240G>C have been reported in the literature in multiple individuals affected with Gaucher Disease (example, Cormand_1997, Kleinotiene_2011, Chen_2005, Gupta_2011, Gonzalez_2013). This variant has been subsequently cited by others as a mild mutation associated with Gaucher Disease (example Cormand_1997, Beutler_1998, Beutler_2005, Hruska_2008 and Shamseddine_2004). These data indicate that the variant is very likely to be associated with disease. At least one publication reports experimental evidence evaluating an impact on protein function. The most pronounced variant effect results in 10%-<30% of normal activity in leukocytes with limited material available for further enzymatic characterization (Cormand_1997). No clinical diagnostic laboratories have submitted clinical-significance assessments for this variant to ClinVar after 2014. Although one submitter has classified the variant as likely pathogenic before 2014. Based on the evidence outlined above, the variant was classified as pathogenic.

Broad Center for Mendelian Genomics, Broad Institute of MIT and Harvard
Classification: Likely pathogenic for Gaucher disease type I. Last evaluated: 2020-01-22. Review status: criteria provided, single submitter. Criteria: ACMG Guidelines, 2015. Collection method: curation. Allele origin: germline. Inheritance: Autosomal recessive inheritance.
Comment: The p.Val414Leu variant in GBA has been reported in 8 individuals with Gaucher disease (PMID: 27865684, 19026343, 9182788, 29685539, 15954102) and has been identified in 0.001% (1/113754) of European (non-Finnish) chromosomes by the Genome Aggregation Database (gnomAD; dbSNP rs398123528). Although this variant has been seen in the general population, its frequency is low enough to be consistent with a recessive carrier frequency. This variant has also been reported in ClinVar (VariationID: 93448) as likely pathogenic by EGL Genetic Diagnostics. Computational prediction tools and conservation analyses suggest that this variant may impact the protein, though this information is not predictive enough to determine pathogenicity. Additionally, the presence of this variant in the homozygous state in two individuals with Gaucher disease and in combination with reported pathogenic variants (VariationID: 93459, 4288; PMID: 19026343, 29685539) in two individuals with Gaucher disease increases the likelihood that the p.Val414Leu variant is pathogenic. The phenotype of an individual homozygous for this variant is highly specific for Gaucher disease based on B-glucosidase activity levels below 8.7 nmol/h/mg protein, consistent with disease (PMID: 9182788, 27865684). In summary, although additional studies are required to fully establish its clinical significance, this variant is likely pathogenic. ACMG/AMP Criteria applied: PM3_strong, PM2, PP3, PP4 (Richards 2015).

Eurofins Ntd Llc (ga)
Classification: Likely pathogenic. Last evaluated: 2012-08-13. Review status: criteria provided, single submitter. Criteria: EGL Classification Definitions. Collection method: clinical testing. Allele origin: germline. Observed: 3 variant alleles, 3 heterozygotes.

Literature cited by the submitters: PubMed 9182788 (cited by 3 submitters); PubMed 35412052 (cited by Natera, Inc.); PubMed 15943874 (cited by Natera, Inc. and Women's Health and Genetics/Laboratory Corporation of America, LabCorp); PubMed 18338393 (cited by Women's Health and Genetics/Laboratory Corporation of America, LabCorp); PubMed 16185900 (cited by Women's Health and Genetics/Laboratory Corporation of America, LabCorp); PubMed 9516376 (cited by Women's Health and Genetics/Laboratory Corporation of America, LabCorp); PubMed 23386328 (cited by Women's Health and Genetics/Laboratory Corporation of America, LabCorp); PubMed 20880730 (cited by Women's Health and Genetics/Laboratory Corporation of America, LabCorp); PubMed 22112991 (cited by Women's Health and Genetics/Laboratory Corporation of America, LabCorp); PubMed 14994233 (cited by Women's Health and Genetics/Laboratory Corporation of America, LabCorp); PubMed 15954102 (cited by Women's Health and Genetics/Laboratory Corporation of America, LabCorp and Broad Center for Mendelian Genomics, Broad Institute of MIT and Harvard); PubMed 19026343 (cited by Broad Center for Mendelian Genomics, Broad Institute of MIT and Harvard); PubMed 29685539 (cited by Broad Center for Mendelian Genomics, Broad Institute of MIT and Harvard); PubMed 27865684 (cited by Broad Center for Mendelian Genomics, Broad Institute of MIT and Harvard); PubMed 18030725 (cited by Broad Center for Mendelian Genomics, Broad Institute of MIT and Harvard).

NM_000157.4(GBA1):c.1240G>T (p.Val414Leu)

Genes: GBA1 (glucosylceramidase beta 1; minus strand), LOC106627981 (GBA recombination region; plus strand). Cytogenetic location: 1q22.
Variant type: single nucleotide variant.
Coding change: c.1240G>T on transcript NM_000157.4 (MANE Select); coding-DNA position 1240, G replaced by T.
Protein change: p.Val414Leu; replaces valine 414 with leucine.
Molecular consequence: missense variant.
Genome position (GRCh38, 1-based): chr1:155,235,829, C>A on the plus strand (G>T on the coding strand, the complement: GBA1 is on the minus strand). VCF-style: chr1-155235829-C-A. GRCh37 (hg19) VCF-style: chr1-155205620-C-A.
Other names: c.1240G>T, p.Val414Leu (NM_001005741.3, NM_001005742.3); c.979G>T, p.Val327Leu (NM_001171811.2); c.1093G>T, p.Val365Leu (NM_001171812.2); c.1240G>T (NM_000157.3); short protein forms V414L, V365L, V327L.
Identifiers: ClinVar variation 93448 (VCV000093448.33), dbSNP rs398123528, ClinGen allele CA221390.